The following is an entry in ClinVar:

ClinVar aggregate classification (germline): Benign/Likely benign. Review status: criteria provided, multiple submitters, no conflicts (2 of 4 stars). 4 submissions from 4 submitters: Benign (1); Likely benign (3). Last evaluated 2026-01-21.

Conditions:
Hereditary nonpolyposis colorectal neoplasms. Identifiers: MedGen C0009405, MeSH D003123.
Hereditary cancer-predisposing syndrome. Also called: Hereditary neoplastic syndrome; Neoplastic Syndromes, Hereditary; Hereditary Cancer Syndrome; Tumor predisposition. Identifiers: Orphanet 140162, MedGen C0027672, MeSH D009386, MONDO:0015356.
Lynch syndrome 4 (LYNCH4). Also called: Colorectal cancer, hereditary nonpolyposis, type 4; Hereditary non-polyposis colorectal cancer, type 4. Identifiers: Orphanet 144, MedGen C1838333, MONDO:0013699, OMIM 614337. Disease mechanism: loss of function.

Submissions (4):

Labcorp Genetics (formerly Invitae), Labcorp
Classification: Likely benign for Hereditary nonpolyposis colorectal neoplasms. Last evaluated: 2026-01-21. Review status: criteria provided, single submitter. Criteria: Invitae Variant Classification Sherloc (09022015). Collection method: clinical testing. Allele origin: germline.

Myriad Genetics, Inc.
Classification: Benign for Lynch syndrome 4. Last evaluated: 2025-02-04. Review status: criteria provided, single submitter. Criteria: Myriad Autosomal Dominant, Autosomal Recessive and X-Linked Classification Criteria (2023). Collection method: clinical testing. Allele origin: unknown.
Comment: This variant is considered benign. This variant is a silent/synonymous amino acid change and it is not expected to impact splicing.

Ambry Genetics
Classification: Likely benign for Hereditary cancer-predisposing syndrome. Last evaluated: 2024-02-10. Review status: criteria provided, single submitter. Criteria: Ambry Variant Classification Scheme 2023. Collection method: clinical testing. Allele origin: germline.

Color Diagnostics, LLC DBA Color Health
Classification: Likely benign for Hereditary cancer-predisposing syndrome. Last evaluated: 2023-06-26. Review status: criteria provided, single submitter. Criteria: ACMG Guidelines, 2015. Collection method: clinical testing. Allele origin: germline.

NM_000535.7(PMS2):c.2409C>A (p.Val803=)

Gene: PMS2 (PMS1 homolog 2, mismatch repair system component; minus strand). Cytogenetic location: 7p22.1.
Variant type: single nucleotide variant.
Coding change: c.2409C>A on transcript NM_000535.7 (MANE Select); coding-DNA position 2409, C replaced by A.
Protein change: p.Val803=; no amino-acid change (valine 803 retained).
Molecular consequence: synonymous variant. On other transcripts: non-coding transcript variant (1).
Genome position (GRCh38, 1-based): chr7:5,977,624, G>T on the plus strand (C>A on the coding strand, the complement: PMS2 is on the minus strand). VCF-style: chr7-5977624-G-T. GRCh37 (hg19) VCF-style: chr7-6017255-G-T.
Other names: c.2004C>A, p.Val668= (NM_001322003.2, NM_001322004.2, NM_001322005.2); c.2253C>A, p.Val751= (NM_001322006.2); c.2091C>A, p.Val697= (NM_001322007.2, NM_001322008.2); c.2037C>A, p.Val679= (NM_001322009.2); c.1848C>A, p.Val616= (NM_001322010.2); c.1476C>A, p.Val492= (NM_001322011.2, NM_001322012.2); c.1836C>A, p.Val612= (NM_001322013.2); c.2442C>A, p.Val814= (NM_001322014.2); and 2 more.
Identifiers: ClinVar variation 1560235 (VCV001560235.12), dbSNP rs2128672300, ClinGen allele CA453642335.